The following is an entry in ClinVar:

NM_018979.4(WNK1):c.*1145C>T

Gene: WNK1 (WNK lysine deficient protein kinase 1; plus strand). Cytogenetic location: 12p13.33.
Variant type: single nucleotide variant.
Coding change: c.*1145C>T on transcript NM_018979.4 (MANE Select); 1145 bases downstream of the stop codon, C replaced by T.
Molecular consequence: 3 prime UTR variant.
Genome position (GRCh38, 1-based): chr12:909,937, C>T. VCF-style: chr12-909937-C-T. GRCh37 (hg19) VCF-style: chr12-1019103-C-T.
Other names: c.*1145C>T (NM_001184985.2, NM_014823.3, NM_213655.5).
Identifiers: ClinVar variation 884108 (VCV000884108.4), dbSNP rs186013009, ClinGen allele CA231499061.

ClinVar aggregate classification (germline): Benign (1 of 4 stars; one submission).

Conditions:
Pseudohypoaldosteronism type 2C (PHA2C). Also called: Pseudohypoaldosteronism Type IIC. Identifiers: Orphanet 757, Orphanet 88940, MedGen C1840391, MONDO:0013778, OMIM 614492.

Allele frequency attached by ClinVar (database versions not stated): gnomAD 0.00011 and 0.00016; TOPMed 0.00020; 1000 Genomes Project 30x 0.00078; 1000 Genomes Project 0.00100.

Submission:

Illumina Laboratory Services, Illumina
Classification: Benign for Pseudohypoaldosteronism type 2C. Last evaluated: 2018-01-13. Review status: criteria provided, single submitter. Criteria: ICSL Variant Classification Criteria 13 December 2019. Collection method: clinical testing. Allele origin: germline.
Comment: This variant was observed in the ICSL laboratory as part of a predisposition screen in an ostensibly healthy population. It had not been previously curated by ICSL or reported in the Human Gene Mutation Database (HGMD: prior to June 1st, 2018), and was therefore a candidate for classification through an automated scoring system. Utilizing variant allele frequency, disease prevalence and penetrance estimates, and inheritance mode, an automated score was calculated to assess if this variant is too frequent to cause the disease. Based on the score and internal cut-off values, a variant classified as benign is not then subjected to further curation. The score for this variant resulted in a classification of benign for this disease.